The following is an entry in ClinVar:

NM_001024630.4(RUNX2):c.109G>C (p.Gly37Arg)

Gene: RUNX2 (RUNX family transcription factor 2; plus strand). Cytogenetic location: 6p21.1.
Variant type: single nucleotide variant.
Coding change: c.109G>C on transcript NM_001024630.4 (MANE Select); coding-DNA position 109, G replaced by C.
Protein change: p.Gly37Arg; replaces glycine 37 with arginine.
Molecular consequence: missense variant.
Genome position (GRCh38, 1-based): chr6:45,422,643, G>C. VCF-style: chr6-45422643-G-C. GRCh37 (hg19) VCF-style: chr6-45390380-G-C.
Other names: c.109G>C, p.Gly37Arg (NM_001015051.4); c.67G>C, p.Gly23Arg (NM_001278478.2, NM_001369405.1); short protein forms G37R, G23R.
Identifiers: ClinVar variation 3713831 (VCV003713831.2).

ClinVar aggregate classification (germline): Uncertain significance (1 of 4 stars; one submission).

gnomAD v4.1: 21 of 1,606,090 alleles (0.0013%); highest among the groups gnomAD compares: Admixed American, 0.0085%; no homozygotes.

Submission:

Labcorp Genetics (formerly Invitae), Labcorp
Classification: Uncertain significance. Last evaluated: 2024-04-16. Review status: criteria provided, single submitter. Criteria: Invitae Variant Classification Sherloc (09022015). Collection method: clinical testing. Allele origin: germline.
Comment: This sequence change replaces glycine, which is neutral and non-polar, with arginine, which is basic and polar, at codon 37 of the RUNX2 protein (p.Gly37Arg). This variant is present in population databases (rs760049118, gnomAD 0.02%). This variant has not been reported in the literature in individuals affected with RUNX2-related conditions. Advanced modeling of protein sequence and biophysical properties (such as structural, functional, and spatial information, amino acid conservation, physicochemical variation, residue mobility, and thermodynamic stability) performed at Invitae indicates that this missense variant is not expected to disrupt RUNX2 protein function with a negative predictive value of 80%. In summary, the available evidence is currently insufficient to determine the role of this variant in disease. Therefore, it has been classified as a Variant of Uncertain Significance.